The following is an entry in ClinVar:

ClinVar aggregate classification (germline): Uncertain significance (1 of 4 stars; one submission).

Allele frequency attached by ClinVar (database versions not stated): ExAC 0.00001; gnomAD exomes 0.00001; TOPMed 0.00002; gnomAD 0.00003.
gnomAD v4.1: 18 of 1,614,000 alleles (0.0011%); highest among the groups gnomAD compares: Non-Finnish European, 0.0015%; no homozygotes.

Submission:

GeneDx
Classification: Uncertain significance. Last evaluated: 2022-05-26. Review status: criteria provided, single submitter. Criteria: GeneDx Variant Classification Process June 2021. Collection method: clinical testing. Allele origin: germline. Affected: yes.
Comment: Not observed at significant frequency in large population cohorts (gnomAD); Occurs in the triple helical domain at the Y position in the canonical Gly-X-Y repeat; although this variant may have an effect on normal protein folding and function, missense substitution at the Y position is not a common mechanism of disease; Has not been previously published as pathogenic or benign to our knowledge; In silico analysis supports that this missense variant does not alter protein structure/function

NM_000092.5(COL4A4):c.1774G>C (p.Ala592Pro)

Gene: COL4A4 (collagen type IV alpha 4 chain; minus strand). Cytogenetic location: 2q36.3.
Variant type: single nucleotide variant.
Coding change: c.1774G>C on transcript NM_000092.5 (MANE Select); coding-DNA position 1774, G replaced by C.
Protein change: p.Ala592Pro; replaces alanine 592 with proline.
Molecular consequence: missense variant.
Genome position (GRCh38, 1-based): chr2:227,080,472, C>G on the plus strand (G>C on the coding strand, the complement: COL4A4 is on the minus strand). VCF-style: chr2-227080472-C-G. GRCh37 (hg19) VCF-style: chr2-227945188-C-G.
Other names: short protein forms A592P.
Identifiers: ClinVar variation 1800874 (VCV001800874.1), dbSNP rs771922842, ClinGen allele CA2145065.